The following is an entry in ClinVar:

ClinVar aggregate classification (germline): Uncertain significance. Review status: criteria provided, multiple submitters, no conflicts (2 of 4 stars). 3 submissions from 3 submitters: Uncertain significance (2). 1 of the submissions does not count toward it. Last evaluated 2025-02-11.

Conditions:
Cardiomyopathy, hypertrophic, midventricular, digenic. Identifiers: MedGen C4016270.
Hypertrophic cardiomyopathy. Also called: HYPERTROPHIC MYOCARDIOPATHY. Identifiers: Orphanet 217569, MedGen C0007194, MeSH D002312, MONDO:0005045, HP:0001639.

Submissions (3):

Labcorp Genetics (formerly Invitae), Labcorp
Classification: Uncertain significance for Hypertrophic cardiomyopathy. Last evaluated: 2025-02-11. Review status: criteria provided, single submitter. Criteria: Invitae Variant Classification Sherloc (09022015). Collection method: clinical testing. Allele origin: germline.
Comment: This sequence change replaces glutamic acid, which is acidic and polar, with aspartic acid, which is acidic and polar, at codon 743 of the MYH7 protein (p.Glu743Asp). This variant is not present in population databases (gnomAD no frequency). This missense change has been observed in individual(s) with clinical features of hypertrophic cardiomyopathy (PMID: 11733062). ClinVar contains an entry for this variant (Variation ID: 181178). Invitae Evidence Modeling of protein sequence and biophysical properties (such as structural, functional, and spatial information, amino acid conservation, physicochemical variation, residue mobility, and thermodynamic stability) indicates that this missense variant is expected to disrupt MYH7 protein function with a positive predictive value of 95%. In summary, the available evidence is currently insufficient to determine the role of this variant in disease. Therefore, it has been classified as a Variant of Uncertain Significance.

GeneDx
Classification: Uncertain significance. Last evaluated: 2024-07-23. Review status: criteria provided, single submitter. Criteria: GeneDx Variant Classification Process June 2021. Collection method: clinical testing. Allele origin: germline. Affected: yes.
Comment: Not observed at significant frequency in large population cohorts (gnomAD); In silico analysis supports that this missense variant has a deleterious effect on protein structure/function; This variant is associated with the following publications: (PMID: 12545186, 18555187, 9243087, 27224906, 30275503, 27532257, 29300372, 11733062)

OMIM
Classification: Uncertain significance for RECLASSIFIED - VARIANT OF UNKNOWN SIGNIFICANCE. Last evaluated: 2001-11-30. Review status: no assertion criteria provided. Collection method: literature only. Allele origin: germline. Not counted in ClinVar's aggregate classification.

Literature cited by the submitters: PubMed 11733062 (cited by Labcorp Genetics (formerly Invitae), Labcorp and OMIM).

NM_000257.4(MYH7):c.2229G>C (p.Glu743Asp)

Gene: MYH7 (myosin heavy chain 7; minus strand). Cytogenetic location: 14q11.2.
Variant type: single nucleotide variant.
Coding change: c.2229G>C on transcript NM_000257.4 (MANE Select); coding-DNA position 2229, G replaced by C.
Protein change: p.Glu743Asp; replaces glutamic acid 743 with aspartic acid.
Molecular consequence: missense variant.
Genome position (GRCh38, 1-based): chr14:23,425,752, C>G on the plus strand (G>C on the coding strand, the complement: MYH7 is on the minus strand). VCF-style: chr14-23425752-C-G. GRCh37 (hg19) VCF-style: chr14-23894961-C-G.
Other names: p.E743D:GAG>GAC; c.2229G>C (LRG_384t1); short protein forms E743D.
Identifiers: ClinVar variation 181178 (VCV000181178.15), dbSNP rs397516139, ClinGen allele CA012046.